The following is an entry in ClinVar:

ClinVar aggregate classification (germline): Uncertain significance (1 of 4 stars; one submission).

Conditions:
RASopathy. Also called: Noonan spectrum disorder; rasopathies. Identifiers: Orphanet 536391, MedGen C5555857, MONDO:0021060.

Submission:

Labcorp Genetics (formerly Invitae), Labcorp
Classification: Uncertain significance for RASopathy. Last evaluated: 2025-08-05. Review status: criteria provided, single submitter. Criteria: Invitae Variant Classification Sherloc (09022015). Collection method: clinical testing. Allele origin: germline.
Comment: This sequence change creates a premature translational stop signal (p.Tyr735Cysfs*132) in the CBL gene. While this is not anticipated to result in nonsense mediated decay, it is expected to disrupt the last 172 amino acid(s) of the CBL protein. This variant is not present in population databases (gnomAD no frequency). This variant has not been reported in the literature in individuals affected with CBL-related conditions. ClinVar contains an entry for this variant (Variation ID: 2750247). Experimental studies and prediction algorithms are not available or were not evaluated, and the functional significance of this variant is currently unknown. Algorithms developed to predict the effect of sequence changes on RNA splicing suggest that this variant may disrupt the consensus splice site. In summary, the available evidence is currently insufficient to determine the role of this variant in disease. Therefore, it has been classified as a Variant of Uncertain Significance.

NM_005188.4(CBL):c.2202_2203dup (p.Tyr735fs)

Gene: CBL (Cbl proto-oncogene; plus strand). Cytogenetic location: 11q23.3.
Variant type: Duplication.
Coding change: c.2202_2203dup on transcript NM_005188.4 (MANE Select); coding-DNA positions 2202 to 2203, 2 bases duplicated (GT; older notation c.2202_2203dupGT).
Protein change: p.Tyr735fs; shifts the reading frame from tyrosine 735.
Molecular consequence: frameshift variant.
Genome position (GRCh38, 1-based): chr11:119,297,432-119,297,433, GT duplicated; duplicating any 2 consecutive bases within chr11:119,297,431-119,297,433 gives the same sequence; the c. name uses the placement nearest the transcript's 3' end. VCF-style (leftmost placement, unchanged base first): chr11-119297430-A-ATG. GRCh37 (hg19) VCF-style: chr11-119168140-A-ATG.
Other names: short protein forms Y735fs.
Identifiers: ClinVar variation 2750247 (VCV002750247.3), dbSNP rs2496971963, ClinGen allele CA2697559053.